The following is an entry in ClinVar:

ClinVar aggregate classification (germline): Uncertain significance (1 of 4 stars; one submission).

gnomAD v4.1: 12 of 1,614,126 alleles (0.00074%); highest among the groups gnomAD compares: Non-Finnish European, 0.00093%; no homozygotes.

Submission:

Labcorp Genetics (formerly Invitae), Labcorp
Classification: Uncertain significance. Last evaluated: 2024-09-10. Review status: criteria provided, single submitter. Criteria: Invitae Variant Classification Sherloc (09022015). Collection method: clinical testing. Allele origin: germline.
Comment: This sequence change replaces proline, which is neutral and non-polar, with glutamine, which is neutral and polar, at codon 248 of the MTMR14 protein (p.Pro248Gln). This variant is not present in population databases (gnomAD no frequency). This variant has not been reported in the literature in individuals affected with MTMR14-related conditions. Invitae Evidence Modeling of protein sequence and biophysical properties (such as structural, functional, and spatial information, amino acid conservation, physicochemical variation, residue mobility, and thermodynamic stability) has been performed for this missense variant. However, the output from this modeling did not meet the statistical confidence thresholds required to predict the impact of this variant on MTMR14 protein function. In summary, the available evidence is currently insufficient to determine the role of this variant in disease. Therefore, it has been classified as a Variant of Uncertain Significance.

NM_001077525.3(MTMR14):c.743C>A (p.Pro248Gln)

Gene: MTMR14 (myotubularin related protein 14; plus strand). Cytogenetic location: 3p25.3.
Variant type: single nucleotide variant.
Coding change: c.743C>A on transcript NM_001077525.3 (MANE Select); coding-DNA position 743, C replaced by A.
Protein change: p.Pro248Gln; replaces proline 248 with glutamine.
Molecular consequence: missense variant. On other transcripts: non-coding transcript variant (9).
Genome position (GRCh38, 1-based): chr3:9,672,750, C>A. VCF-style: chr3-9672750-C-A. GRCh37 (hg19) VCF-style: chr3-9714434-C-A.
Other names: c.743C>A, p.Pro248Gln (NM_001077526.3, NM_001400528.1, NM_001400520.1 and 2 more transcripts); c.812C>A, p.Pro271Gln (NM_001400518.1, NM_001400521.1, NM_001400526.1); c.461C>A, p.Pro154Gln (NM_001400529.1, NM_001400532.1, NM_001400537.1 and 1 more transcripts); c.497C>A, p.Pro166Gln (NM_001400530.1, NM_001400536.1, NM_001400524.1 and 1 more transcripts); c.494C>A, p.Pro165Gln (NM_001400531.1); c.101C>A, p.Pro34Gln (NM_001400533.1, NM_001400534.1, NM_001400535.1 and 9 more transcripts); c.740C>A, p.Pro247Gln (NM_001400519.1, NM_001400522.1); c.28C>A, p.Arg10Ser (NM_001400544.1, NM_001400547.1, NM_001400548.1 and 1 more transcripts); short protein forms P248Q, P34Q, P154Q, P247Q, P271Q, R10S, P165Q, P166Q.
Identifiers: ClinVar variation 3676064 (VCV003676064.2).
Genomic context (GRCh38, chr3:9,672,750, plus strand): 5'-CCTCCTCTGAGAAGGTGGACAAAGCCCAGCGCTATGCCGACTTCACTCTCCTCTCCATCC[C>A]GTATCCAGGTAGGGGGCTCTCTTCTAGTGGCAGGCATCCTAGGACTGGGGACCTTGGGGG-3'
Protein context (NP_001070993.1, residues 238-258): RYADFTLLSI[Pro248Gln]YPGCEFFKEY